The following is an entry in ClinVar:

ClinVar aggregate classification (germline): Likely pathogenic (1 of 4 stars; one submission).

Conditions:
Nemaline myopathy 2 (NEM2). Also called: Nemaline myopathy 2, autosomal recessive. Identifiers: MedGen C1850569, MONDO:0009725, OMIM 256030.

gnomAD v4.1: 1 of 1,548,964 alleles (0.000065%); highest among the groups gnomAD compares: Admixed American, 0.002%; no homozygotes.

Submission:

Natera, Inc.
Classification: Likely pathogenic for Nemaline myopathy type 2. Last evaluated: 2025-07-07. Review status: criteria provided, single submitter. Criteria: Natera Variant Classification Schema (03/2026). Collection method: clinical testing. Allele origin: germline.
Comment: The c.21516G>A variant in NEB is a nonsense variant predicted to introduce a stop codon at amino acid 7172. This variant is expected to result in nonsense mediated decay, truncation, or a dysfunctional protein product. This variant is rare in the general population with a frequency below the threshold expected for the associated phenotype(s). Given the available evidence, this variant is classified as Likely Pathogenic.

NM_001164508.2(NEB):c.21411G>A (p.Trp7137Ter)

Genes: NEB (nebulin; minus strand), RIF1 (replication timing regulatory factor 1; plus strand). Cytogenetic location: 2q23.3.
Variant type: single nucleotide variant.
Coding change: c.21411G>A on transcript NM_001164508.2 (MANE Select); coding-DNA position 21411, G replaced by A.
Protein change: p.Trp7137Ter; replaces tryptophan 7137 with a stop codon.
Molecular consequence: nonsense. On other transcripts: intron variant (2).
Genome position (GRCh38, 1-based): chr2:151,533,448, C>T on the plus strand (G>A on the coding strand, the complement: NEB is on the minus strand). VCF-style: chr2-151533448-C-T. GRCh37 (hg19) VCF-style: chr2-152389962-C-T.
Other names: c.16314+767G>A (NM_004543.5); c.21417+767G>A (NM_001164507.2); c.21516G>A, p.Trp7172Ter (NM_001271208.2); short protein forms W7137*, W7172*.
Identifiers: ClinVar variation 4814751 (VCV004814751.1).